The following is an entry in ClinVar:

ClinVar aggregate classification (germline): Uncertain significance. Review status: criteria provided, multiple submitters, no conflicts (2 of 4 stars). 2 submissions from 2 submitters: Uncertain significance (2). Last evaluated 2025-01-29.

Conditions:
Familial adenomatous polyposis 1 (FAP1). Also called: POLYPOSIS, ADENOMATOUS INTESTINAL; FAMILIAL ADENOMATOUS POLYPOSIS 1, ATTENUATED. Identifiers: MedGen C2713442, MONDO:0021056, OMIM 175100. Disease mechanism: loss of function.
Hereditary cancer-predisposing syndrome. Also called: Neoplastic Syndromes, Hereditary; Tumor predisposition; Hereditary Cancer Syndrome; Hereditary neoplastic syndrome. Identifiers: Orphanet 140162, MedGen C0027672, MeSH D009386, MONDO:0015356.

Submissions (2):

Ambry Genetics
Classification: Uncertain significance for Hereditary cancer-predisposing syndrome. Last evaluated: 2025-01-29. Review status: criteria provided, single submitter. Criteria: Ambry Variant Classification Scheme 2023. Collection method: clinical testing. Allele origin: germline.
Comment: The p.E2603D variant (also known as c.7809A>C), located in coding exon 15 of the APC gene, results from an A to C substitution at nucleotide position 7809. The glutamic acid at codon 2603 is replaced by aspartic acid, an amino acid with highly similar properties. This amino acid position is conserved. In addition, in silico predictors for this gene do not accurately predict pathogenicity. Based on the available evidence, the clinical significance of this variant remains unclear.

Labcorp Genetics (formerly Invitae), Labcorp
Classification: Uncertain significance for Familial adenomatous polyposis 1. Last evaluated: 2022-03-02. Review status: criteria provided, single submitter. Criteria: Invitae Variant Classification Sherloc (09022015). Collection method: clinical testing. Allele origin: germline.
Comment: In summary, the available evidence is currently insufficient to determine the role of this variant in disease. Therefore, it has been classified as a Variant of Uncertain Significance. Algorithms developed to predict the effect of missense changes on protein structure and function are either unavailable or do not agree on the potential impact of this missense change (SIFT: "Tolerated"; PolyPhen-2: "Probably Damaging"; Align-GVGD: "Class C0"). ClinVar contains an entry for this variant (Variation ID: 654022). This variant has not been reported in the literature in individuals affected with APC-related conditions. This variant is not present in population databases (gnomAD no frequency). This sequence change replaces glutamic acid, which is acidic and polar, with aspartic acid, which is acidic and polar, at codon 2603 of the APC protein (p.Glu2603Asp).

NM_000038.6(APC):c.7809A>C (p.Glu2603Asp)

Gene: APC (APC regulator of Wnt signaling pathway; plus strand). Cytogenetic location: 5q22.2.
Variant type: single nucleotide variant.
Coding change: c.7809A>C on transcript NM_000038.6 (MANE Select); coding-DNA position 7809, A replaced by C.
Protein change: p.Glu2603Asp; replaces glutamic acid 2603 with aspartic acid.
Molecular consequence: missense variant.
Genome position (GRCh38, 1-based): chr5:112,843,403, A>C. VCF-style: chr5-112843403-A-C. GRCh37 (hg19) VCF-style: chr5-112179100-A-C.
Other names: c.7809A>C, p.Glu2603Asp (NM_001127510.3, NM_001354895.2); c.7755A>C, p.Glu2585Asp (NM_001127511.3); c.7863A>C, p.Glu2621Asp (NM_001354896.2); c.7839A>C, p.Glu2613Asp (NM_001354897.2); c.7734A>C, p.Glu2578Asp (NM_001354898.2); c.7725A>C, p.Glu2575Asp (NM_001354899.2); c.7686A>C, p.Glu2562Asp (NM_001354900.2); c.7632A>C, p.Glu2544Asp (NM_001354901.2); and 5 more; short protein forms E2443D, E2512D, E2544D, E2603D, E2613D, E2320D, E2562D, E2575D.
Identifiers: ClinVar variation 654022 (VCV000654022.11), dbSNP rs1580686817, ClinGen allele CA16038295.